The following is an entry in ClinVar:

ClinVar aggregate classification (germline): Uncertain significance (1 of 4 stars; one submission).

Conditions:
Hereditary cancer-predisposing syndrome. Also called: Hereditary Cancer Syndrome; Hereditary neoplastic syndrome; Neoplastic Syndromes, Hereditary; Tumor predisposition. Identifiers: Orphanet 140162, MedGen C0027672, MeSH D009386, MONDO:0015356.

Allele frequency attached by ClinVar (database versions not stated): ExAC 0.00001; gnomAD 0.00001; TOPMed 0.00003; ESP Exome Variant Server 0.00008.
gnomAD v4.1: 6 of 1,605,584 alleles (0.00037%); highest among the groups gnomAD compares: African/African-American, 0.008%; no homozygotes.

Submission:

Labcorp Genetics (formerly Invitae), Labcorp
Classification: Uncertain significance for Hereditary cancer-predisposing syndrome. Last evaluated: 2025-03-31. Review status: criteria provided, single submitter. Criteria: Invitae Variant Classification Sherloc (09022015). Collection method: clinical testing. Allele origin: germline.
Comment: This sequence change falls in intron 2 of the RAD50 gene. It does not directly change the encoded amino acid sequence of the RAD50 protein. It affects a nucleotide within the consensus splice site. This variant is present in population databases (rs373480018, gnomAD 0.007%). This variant has not been reported in the literature in individuals affected with RAD50-related conditions. ClinVar contains an entry for this variant (Variation ID: 408350). Variants that disrupt the consensus splice site are a relatively common cause of aberrant splicing (PMID: 17576681, 9536098). Algorithms developed to predict the effect of sequence changes on RNA splicing suggest that this variant is not likely to affect RNA splicing. In summary, the available evidence is currently insufficient to determine the role of this variant in disease. Therefore, it has been classified as a Variant of Uncertain Significance.

Literature cited by the submitters: PubMed 17576681; PubMed 9536098.

NM_005732.4(RAD50):c.213+6G>C

Gene: RAD50 (RAD50 double strand break repair protein; plus strand). Cytogenetic location: 5q31.1.
Variant type: single nucleotide variant.
Coding change: c.213+6G>C on transcript NM_005732.4 (MANE Select); 6 bases into the intron after coding-DNA position 213, G replaced by C.
Molecular consequence: intron variant.
Genome position (GRCh38, 1-based): chr5:132,559,373, G>C. VCF-style: chr5-132559373-G-C. GRCh37 (hg19) VCF-style: chr5-131895065-G-C.
Identifiers: ClinVar variation 408350 (VCV000408350.11), dbSNP rs373480018, ClinGen allele CA3404924.